The following is an entry in ClinVar:

NM_130468.4(CHST14):c.163G>A (p.Gly55Arg)

Genes: CHST14 (carbohydrate sulfotransferase 14; plus strand), LOC130056851 (ATAC-STARR-seq lymphoblastoid silent region 6336; plus strand). Cytogenetic location: 15q15.1.
Variant type: single nucleotide variant.
Coding change: c.163G>A on transcript NM_130468.4 (MANE Select); coding-DNA position 163, G replaced by A.
Protein change: p.Gly55Arg; replaces glycine 55 with arginine.
Molecular consequence: missense variant.
Genome position (GRCh38, 1-based): chr15:40,471,376, G>A. VCF-style: chr15-40471376-G-A. GRCh37 (hg19) VCF-style: chr15-40763575-G-A.
Other names: short protein forms G55R.
Identifiers: ClinVar variation 4228589 (VCV004228589.2).

ClinVar aggregate classification (germline): Uncertain significance (1 of 4 stars; one submission).

Conditions:
Cardiovascular phenotype. Identifiers: MedGen CN230736.

gnomAD v4.1: 10 of 1,556,496 alleles (0.00064%); highest among the groups gnomAD compares: South Asian, 0.0012%; no homozygotes.

Submission:

Ambry Genetics
Classification: Uncertain significance for Cardiovascular phenotype. Last evaluated: 2026-03-29. Review status: criteria provided, single submitter. Criteria: Ambry Variant Classification Scheme 2023. Collection method: clinical testing. Allele origin: germline.
Comment: The p.G55R variant (also known as c.163G>A), located in coding exon 1 of the CHST14 gene, results from a G to A substitution at nucleotide position 163. The glycine at codon 55 is replaced by arginine, an amino acid with dissimilar properties. This amino acid position is conserved. In addition, this alteration is predicted to be deleterious by in silico analysis. Based on the available evidence, the clinical significance of this variant remains unclear.